The following is an entry in ClinVar:

ClinVar aggregate classification (germline): Uncertain significance. Review status: criteria provided, multiple submitters, no conflicts (2 of 4 stars). 10 submissions from 10 submitters: Uncertain significance (9). 1 of the submissions does not count toward it. Last evaluated 2026-01-27.

Conditions:
Myopathy, myosin storage, autosomal recessive (CMYO7B). Also called: CONGENITAL MYOPATHY 7B, MYOSIN STORAGE, AUTOSOMAL RECESSIVE. Identifiers: Orphanet 636970, MedGen C1850709, MONDO:0009708, OMIM 255160.
Myosin storage myopathy (CMYO7A). Also called: SCAPULOPERONEAL MUSCULAR DYSTROPHY; SCAPULOPERONEAL SYNDROME, MYOPATHIC TYPE; Scapuloperoneal myopathy, MYH7-related; MYOPATHY WITH LYSIS OF TYPE I MYOFIBRILS; MYH7-related late-onset scapuloperoneal muscular dystrophy; MYOPATHY, HYALINE BODY, AUTOSOMAL DOMINANT. Identifiers: Orphanet 437572, Orphanet 636965, MedGen C1842160, MONDO:0008409, OMIM 608358.
Dilated cardiomyopathy 1S (CMD1S). Identifiers: Orphanet 154, Orphanet 54260, MedGen C1834481, MONDO:0013262, OMIM 613426.
MYH7-related skeletal myopathy. Also called: MYOPATHY, DISTAL, EARLY-ONSET, AUTOSOMAL DOMINANT; MYOPATHY, LATE DISTAL HEREDITARY; Myopathy, distal, 1; Laing distal myopathy; Laing early-onset distal myopathy. Identifiers: Orphanet 59135, MedGen C4552004, MONDO:0008050, OMIM 160500.
Cardiovascular phenotype. Identifiers: MedGen CN230736.
Cardiomyopathy (CMYO). Also called: Cardiomyopathies. Identifiers: Orphanet 167848, MedGen C0878544, MONDO:0004994, HP:0001638. Inheritance: Various modes of inheritance.
Hypertrophic cardiomyopathy 1 (CMH1). Also called: MYH7-Related Familial Hypertrophic Cardiomyopathy; Familial hypertrophic cardiomyopathy 1. Identifiers: MedGen C3495498, MONDO:0008647, OMIM 192600.
Hypertrophic cardiomyopathy. Also called: HYPERTROPHIC MYOCARDIOPATHY. Identifiers: Orphanet 217569, MedGen C0007194, MeSH D002312, MONDO:0005045, HP:0001639.

Allele frequency attached by ClinVar (database versions not stated): gnomAD exomes 0.00003 and 0.00002; gnomAD 0.00004; TOPMed 0.00006; ESP Exome Variant Server 0.00008; ExAC 0.00003.
gnomAD v4.1: 53 of 1,614,078 alleles (0.0033%); highest among the groups gnomAD compares: African/African-American, 0.008%; no homozygotes.

Submissions 1 to 8 of 10:

Labcorp Genetics (formerly Invitae), Labcorp
Classification: Uncertain significance for Hypertrophic cardiomyopathy. Last evaluated: 2026-01-27. Review status: criteria provided, single submitter. Criteria: Invitae Variant Classification Sherloc (09022015). Collection method: clinical testing. Allele origin: germline.
Comment: This sequence change replaces alanine, which is neutral and non-polar, with valine, which is neutral and non-polar, at codon 862 of the MYH7 protein (p.Ala862Val). This variant is present in population databases (rs149576470, gnomAD 0.01%). This missense change has been observed in individuals with dilated cardiomyopathy and/or hypertrophic cardiomyopathy (PMID: 22429680, 28408708, 32894683, 34935411). ClinVar contains an entry for this variant (Variation ID: 36636). Invitae Evidence Modeling of protein sequence and biophysical properties (such as structural, functional, and spatial information, amino acid conservation, physicochemical variation, residue mobility, and thermodynamic stability) has been performed for this missense variant. However, the output from this modeling did not meet the statistical confidence thresholds required to predict the impact of this variant on MYH7 protein function. This variant is found within a region of MYH7 between codons 181 and 937 that contains the majority of the myosin head domain. Missense variants in this region have been shown to be significantly overrepresented in individuals with hypertrophic cardiomyopathy (PMID: 27532257). In summary, the available evidence is currently insufficient to determine the role of this variant in disease. Therefore, it has been classified as a Variant of Uncertain Significance.

Molecular Diagnostic Laboratory for Inherited Cardiovascular Disease, Montreal Heart Institute
Classification: Uncertain significance for Cardiovascular phenotype. Last evaluated: 2025-04-09. Review status: criteria provided, single submitter. Criteria: ACMG Guidelines, 2015. Collection method: clinical testing. Allele origin: germline. Affected: yes.

Victorian Clinical Genetics Services, Murdoch Childrens Research Institute
Classification: Uncertain significance for Hypertrophic cardiomyopathy 1. Last evaluated: 2024-10-09. Review status: criteria provided, single submitter. Criteria: ACMG Guidelines, 2015. Collection method: clinical testing. Allele origin: germline. Inheritance: Autosomal dominant inheritance. Affected: no.
Comment: Based on the classification scheme VCGS_Germline_v1.3.4, this variant is classified as VUS-3B. Following criteria are met: 0105 - The mechanism of disease for this gene is not clearly established; however, missense variants have been proposed to act in a dominant negative manner (PMID: 24714796). (I) 0108 - This gene is associated with both recessive and dominant disease. Disease associated with this gene usually has autosomal dominant inheritance; however, a recessive inheritance pattern has been observed in severe cases (OMIM). (I) 0112 - The condition associated with this gene has incomplete penetrance (PMID: 29300372). (I) 0200 - Variant is predicted to result in a missense amino acid change from alanine to valine. (I) 0251 - This variant is heterozygous. (I) 0304 - Variant is present in gnomAD (v2) <0.01 (8 heterozygotes, 0 homozygotes). (SP) 0502 - Missense variant with conflicting in silico predictions and uninformative conservation. (I) 0602 - Variant is located in a hotspot region or cluster of pathogenic variants. This variant is found within a region which is enriched with pathogenic missense variants (PMID: 29300372). (SP) 0710 - Other missense variants comparable to the one identified in this case have inconclusive previous evidence for pathogenicity. p.(Ala862Gly) has been reported twice as a VUS in ClinVar and p.(Arg862Pro) has been reported in an individual with hypertrophic cardiomyopathy but no classification was given for this variant (PMID: 28356264). (I) 0809 - Previous evidence of pathogenicity for this variant is inconclusive. This variant has been reported five times in ClinVar as a VUS. It has also been reported in three individuals with HCM, three individuals with DCM, a sudden cardiac death case and multiple other individuals with various cardiac conditions (PMIDs: 34935411, 32361481, 22429680, 32894683, 28408708, personal correspondence with Invitae laboratory). (I) 1007 - No published functional evidence has been identified for this variant. (I) 1208 - Inheritance information for this variant is not currently available in this individual. (I) Legend: (SP) - Supporting pathogenic, (I) - Information, (SB) - Supporting benign

All of Us Research Program, National Institutes of Health
Classification: Uncertain significance for Cardiomyopathy. Last evaluated: 2024-06-09. Review status: criteria provided, single submitter. Criteria: ACMG Guidelines, 2015. Collection method: clinical testing. Allele origin: germline. Inheritance: Autosomal dominant inheritance. Observed: 12 variant alleles, 12 heterozygotes.
Comment: This missense variant replaces alanine with valine at codon 862 of the MYH7 protein. Computational prediction suggests that this variant may not impact protein structure and function (internally defined REVEL score threshold <= 0.5, PMID: 27666373). To our knowledge, functional studies have not been reported for this variant. This variant has been reported in individuals affected with hypertrophic cardiomyopathy (PMID: 22429680, 28408708, 32894683). It has also been reported in an individual affected with dilated cardiomyopathy (PMID: 34935411), in an individual affected with left ventricular noncompaction (PMID: 35026164), and in an individual affected with sudden death and suspected hypertrophic cardiomyopathy (PMID: 32361481). This variant has been identified in 8/282828 chromosomes in the general population by the Genome Aggregation Database (gnomAD). The available evidence is insufficient to determine the role of this variant in disease conclusively. Therefore, this variant is classified as a Variant of Uncertain Significance.

This study involves interpretation of variants in research participants for the purpose of population health screening. Participant phenotype was not available at the time of variant classification. Additional details can be found in publication PMID: 35346344, PMCID: PMC8962531

Color Diagnostics, LLC DBA Color Health
Classification: Uncertain significance for Cardiomyopathy. Last evaluated: 2024-05-20. Review status: criteria provided, single submitter. Criteria: ACMG Guidelines, 2015. Collection method: clinical testing. Allele origin: germline.
Comment: This missense variant replaces alanine with valine at codon 862 of the MYH7 protein. Computational prediction tools indicate that this variant has a neutral impact on protein structure and function. To our knowledge, functional studies have not been reported for this variant. This variant has been reported in three individuals affected with hypertrophic cardiomyopathy (PMID: 22429680, 28408708, 32894683), in one individual affected with dilated cardiomyopathy (PMID: 34935411), in one individual affected with left ventricular noncompaction (PMID: 35026164), and in one individual affected with sudden death and suspected hypertrophic cardiomyopathy (PMID: 32361481). This variant has been identified in 8/282828 chromosomes in the general population by the Genome Aggregation Database (gnomAD). The available evidence is insufficient to determine the role of this variant in disease conclusively. Therefore, this variant is classified as a Variant of Uncertain Significance.

Department of Pathology and Laboratory Medicine, Sinai Health System
Classification: Uncertain significance for Dilated cardiomyopathy 1S; MYH7-related skeletal myopathy; Myosin storage myopathy; Myopathy, myosin storage, autosomal recessive. Last evaluated: 2023-09-15. Review status: criteria provided, single submitter. Criteria: ACMG Guidelines, 2015. Collection method: research. Allele origin: germline.

Ambry Genetics
Classification: Uncertain significance for Cardiovascular phenotype. Last evaluated: 2022-04-15. Review status: criteria provided, single submitter. Criteria: Ambry Variant Classification Scheme 2023. Collection method: clinical testing. Allele origin: germline.

Revvity Omics, Revvity
Classification: Uncertain significance. Last evaluated: 2020-10-08. Review status: criteria provided, single submitter. Criteria: ACMG Guidelines, 2015. Collection method: clinical testing. Allele origin: germline.

NM_000257.4(MYH7):c.2585C>T (p.Ala862Val)

Genes: MYH7 (myosin heavy chain 7; minus strand), LOC126861898 (BRD4-independent group 4 enhancer GRCh37_chr14:23893609-23894808; plus strand). Cytogenetic location: 14q11.2.
Variant type: single nucleotide variant.
Coding change: c.2585C>T on transcript NM_000257.4 (MANE Select); coding-DNA position 2585, C replaced by T.
Protein change: p.Ala862Val; replaces alanine 862 with valine.
Molecular consequence: missense variant.
Genome position (GRCh38, 1-based): chr14:23,424,863, G>A on the plus strand (C>T on the coding strand, the complement: MYH7 is on the minus strand). VCF-style: chr14-23424863-G-A. GRCh37 (hg19) VCF-style: chr14-23894072-G-A.
Other names: c.2585C>T (LRG_384t1); short protein forms A862V.
Identifiers: ClinVar variation 36636 (VCV000036636.26), dbSNP rs149576470, ClinGen allele CA012680.